The following is an entry in ClinVar:

NM_003482.4(KMT2D):c.3074C>T (p.Ser1025Leu)

Gene: KMT2D (lysine methyltransferase 2D; minus strand). Cytogenetic location: 12q13.12.
Variant type: single nucleotide variant.
Coding change: c.3074C>T on transcript NM_003482.4 (MANE Select); coding-DNA position 3074, C replaced by T.
Protein change: p.Ser1025Leu; replaces serine 1025 with leucine.
Molecular consequence: missense variant.
Genome position (GRCh38, 1-based): chr12:49,050,514, G>A on the plus strand (C>T on the coding strand, the complement: KMT2D is on the minus strand). VCF-style: chr12-49050514-G-A. GRCh37 (hg19) VCF-style: chr12-49444297-G-A.
Other names: short protein forms S1025L.
Identifiers: ClinVar variation 1124878 (VCV001124878.11), dbSNP rs746163543, ClinGen allele CA6548124.

ClinVar aggregate classification (germline): Likely benign. Review status: criteria provided, multiple submitters, no conflicts (2 of 4 stars). 2 submissions from 2 submitters: Likely benign (2). Last evaluated 2025-05-17.

Conditions:
Kabuki syndrome. Also called: Kabuki make-up syndrome; NIIKAWA-KUROKI SYNDROME. Identifiers: Orphanet 2322, MedGen C0796004, MONDO:0016512.

Allele frequency attached by ClinVar (database versions not stated): gnomAD 0.00003 and 0.00002; gnomAD exomes 0.00004 and 0.00001; TOPMed 0.00004; ExAC 0.00006.
gnomAD v4.1: 27 of 1,610,516 alleles (0.0017%); highest among the groups gnomAD compares: Admixed American, 0.015%; no homozygotes.

Submissions (2):

Labcorp Genetics (formerly Invitae), Labcorp
Classification: Likely benign for Kabuki syndrome. Last evaluated: 2025-05-17. Review status: criteria provided, single submitter. Criteria: Invitae Variant Classification Sherloc (09022015). Collection method: clinical testing. Allele origin: germline.

GeneDx
Classification: Likely benign. Last evaluated: 2020-10-30. Review status: criteria provided, single submitter. Criteria: GeneDx Variant Classification Process June 2021. Collection method: clinical testing. Allele origin: germline. Affected: yes.
Comment: This variant is associated with the following publications: (PMID: 32278351)